The following is an entry in ClinVar:

NM_139057.4(ADAMTS17):c.789+8C>T

Gene: ADAMTS17 (ADAM metallopeptidase with thrombospondin type 1 motif 17; minus strand). Cytogenetic location: 15q26.3.
Variant type: single nucleotide variant.
Coding change: c.789+8C>T on transcript NM_139057.4 (MANE Select); 8 bases into the intron after coding-DNA position 789, C replaced by T.
Molecular consequence: intron variant.
Genome position (GRCh38, 1-based): chr15:100,281,221, G>A on the plus strand (C>T on the coding strand, the complement: ADAMTS17 is on the minus strand). VCF-style: chr15-100281221-G-A. GRCh37 (hg19) VCF-style: chr15-100821426-G-A.
Other names: p.?.
Identifiers: ClinVar variation 315309 (VCV000315309.21), dbSNP rs7496614, ClinGen allele CA7758574.
Genomic context (GRCh38, chr15:100,281,221, plus strand): 5'-CTGCTTCCAGATCTCTCATCAAGGAGAAAACAGAGCCCCCCACATCAGGACCCCGGCTCC[G>A]GACTCACCATGTTCATGACGGTCAGGATGAACCTCTGGGCGGCCTCGGCCCCGTGGTACT-3'

ClinVar aggregate classification (germline): Benign. Review status: criteria provided, multiple submitters, no conflicts (2 of 4 stars). 9 submissions from 9 submitters: Benign (7). 2 of the submissions do not count toward it. Last evaluated 2026-02-04.

Conditions:
Weill-Marchesani 4 syndrome, recessive. Also called: Weill-Marchesani syndrome 4. Identifiers: Orphanet 363992, MedGen C2750787, MONDO:0013176, OMIM 613195.

Allele frequency attached by ClinVar (database versions not stated): ESP Exome Variant Server 0.29779; gnomAD 0.30495 and 0.30766; TOPMed 0.31388; gnomAD exomes 0.31652; ExAC 0.31883; 1000 Genomes Project 30x 0.34666; 1000 Genomes Project 0.34685.
gnomAD v4.1: 483,400 of 1,602,824 alleles (30%); highest among the groups gnomAD compares: South Asian, 45%; 75,128 homozygotes.

Submissions (9):

Labcorp Genetics (formerly Invitae), Labcorp
Classification: Benign. Last evaluated: 2026-02-04. Review status: criteria provided, single submitter. Criteria: Invitae Variant Classification Sherloc (09022015). Collection method: clinical testing. Allele origin: germline.

Blueprint Genetics
Classification: Benign. Last evaluated: 2024-11-27. Review status: criteria provided, single submitter. Criteria: ACMG Guidelines, 2015. Collection method: clinical testing. Allele origin: germline.

Mayo Clinic Laboratories, Mayo Clinic
Classification: Benign. Last evaluated: 2022-04-26. Review status: criteria provided, single submitter. Criteria: ACMG Guidelines, 2015. Collection method: clinical testing. Allele origin: germline. Observed: 373 variant alleles.

Genome-Nilou Lab
Classification: Benign for Weill-Marchesani 4 syndrome, recessive. Last evaluated: 2021-07-14. Review status: criteria provided, single submitter. Criteria: ACMG Guidelines, 2015. Collection method: clinical testing. Allele origin: germline. Affected: no.

GeneDx
Classification: Benign. Last evaluated: 2018-09-04. Review status: criteria provided, single submitter. Criteria: GeneDx Variant Classification Process June 2021. Collection method: clinical testing. Allele origin: germline. Affected: yes.

Illumina Laboratory Services, Illumina
Classification: Benign for Weill-Marchesani 4 syndrome, recessive. Last evaluated: 2018-01-12. Review status: criteria provided, single submitter. Criteria: ICSL Variant Classification Criteria 13 December 2019. Collection method: clinical testing. Allele origin: germline.
Comment: This variant was observed in the ICSL laboratory as part of a predisposition screen in an ostensibly healthy population. It had not been previously curated by ICSL or reported in the Human Gene Mutation Database (HGMD: prior to June 1st, 2018), and was therefore a candidate for classification through an automated scoring system. Utilizing variant allele frequency, disease prevalence and penetrance estimates, and inheritance mode, an automated score was calculated to assess if this variant is too frequent to cause the disease. Based on the score and internal cut-off values, a variant classified as benign is not then subjected to further curation. The score for this variant resulted in a classification of benign for this disease.

Breakthrough Genomics
Classification: Benign. Review status: criteria provided, single submitter. Criteria: ACMG Guidelines, 2015. Collection method: not provided. Allele origin: germline. Inheritance: Autosomal recessive inheritance. Affected: yes.

Diagnostic Laboratory, Department of Genetics, University Medical Center Groningen
Classification: Benign for Weill-Marchesani 4 syndrome, recessive. Review status: no assertion criteria provided. Collection method: clinical testing. Allele origin: germline. Affected: yes. Study: VKGL Data-share Consensus. Not counted in ClinVar's aggregate classification.

Genome Diagnostics Laboratory, Amsterdam University Medical Center
Classification: Benign. Review status: no assertion criteria provided. Collection method: clinical testing. Allele origin: germline. Affected: yes. Study: VKGL Data-share Consensus. Not counted in ClinVar's aggregate classification.